The following is an entry in ClinVar:

ClinVar aggregate classification (germline): Uncertain significance (1 of 4 stars; one submission).

Conditions:
Long QT syndrome (LQTS). Identifiers: MedGen C0023976, MeSH D008133, MONDO:0002442. Disease mechanism: loss of function. Inheritance: Various modes of inheritance.

gnomAD v4.1: 1 of 1,613,764 alleles (0.000062%); highest among the groups gnomAD compares: South Asian, 0.0011%; no homozygotes.

Submission:

Labcorp Genetics (formerly Invitae), Labcorp
Classification: Uncertain significance for Long QT syndrome. Last evaluated: 2022-05-12. Review status: criteria provided, single submitter. Criteria: Invitae Variant Classification Sherloc (09022015). Collection method: clinical testing. Allele origin: germline.
Comment: Variants that disrupt the consensus splice site are a relatively common cause of aberrant splicing (PMID: 17576681, 9536098). Algorithms developed to predict the effect of sequence changes on RNA splicing suggest that this variant is not likely to affect RNA splicing. This variant has not been reported in the literature in individuals affected with SNTA1-related conditions. This variant is present in population databases (rs773906766, gnomAD 0.003%). This sequence change falls in intron 1 of the SNTA1 gene. It does not directly change the encoded amino acid sequence of the SNTA1 protein. It affects a nucleotide within the consensus splice site. In summary, the available evidence is currently insufficient to determine the role of this variant in disease. Therefore, it has been classified as a Variant of Uncertain Significance.

Literature cited by the submitters: PubMed 17576681; PubMed 9536098.

NM_003098.3(SNTA1):c.311-3C>T

Gene: SNTA1 (syntrophin alpha 1; minus strand). Cytogenetic location: 20q11.21.
Variant type: single nucleotide variant.
Coding change: c.311-3C>T on transcript NM_003098.3 (MANE Select); 3 bases into the intron before coding-DNA position 311, C replaced by T.
Molecular consequence: intron variant.
Genome position (GRCh38, 1-based): chr20:33,439,029, G>A on the plus strand (C>T on the coding strand, the complement: SNTA1 is on the minus strand). VCF-style: chr20-33439029-G-A. GRCh37 (hg19) VCF-style: chr20-32026835-G-A.
Identifiers: ClinVar variation 1477692 (VCV001477692.6), dbSNP rs773906766, ClinGen allele CA9817246.